The following is an entry in ClinVar:

NM_014423.4(AFF4):c.1893G>A (p.Lys631=)

Gene: AFF4 (ALF transcription elongation factor 4; minus strand). Cytogenetic location: 5q31.1.
Variant type: single nucleotide variant.
Coding change: c.1893G>A on transcript NM_014423.4 (MANE Select); coding-DNA position 1893, G replaced by A.
Protein change: p.Lys631=; no amino-acid change (lysine 631 retained).
Molecular consequence: synonymous variant.
Genome position (GRCh38, 1-based): chr5:132,896,737, C>T on the plus strand (G>A on the coding strand, the complement: AFF4 is on the minus strand). VCF-style: chr5-132896737-C-T. GRCh37 (hg19) VCF-style: chr5-132232429-C-T.
Other names: c.1893G>A (NM_014423.3).
Identifiers: ClinVar variation 3711529 (VCV003711529.3).

ClinVar aggregate classification (germline): Likely benign. Review status: criteria provided, multiple submitters, no conflicts (2 of 4 stars). 2 submissions from 2 submitters: Likely benign (2). Last evaluated 2024-11-07.

Conditions:
Cognitive impairment - coarse facies - heart defects - obesity - pulmonary involvement - short stature - skeletal dysplasia syndrome. Also called: AFF4-Related CHOPS Syndrome; COGNITIVE IMPAIRMENT, COARSE FACIES, HEART DEFECTS, OBESITY, PULMONARY INVOLVEMENT, SHORT STATURE, AND SKELETAL DYSPLASIA; Chops syndrome. Identifiers: Orphanet 444077, MedGen C4085597, MONDO:0014609, OMIM 616368.
AFF4-related disorder. Also called: AFF4-related condition.

gnomAD v4.1: 1 of 1,614,136 alleles (0.000062%); highest among the groups gnomAD compares: Non-Finnish European, 0.000085%; no homozygotes.

Submissions (2):

PreventionGenetics, part of Exact Sciences
Classification: Likely benign for AFF4-related condition. Last evaluated: 2024-11-07. Review status: criteria provided, single submitter. Criteria: ACMG Guidelines, 2015. Collection method: clinical testing. Allele origin: germline.
Comment: This variant is classified as likely benign based on ACMG/AMP sequence variant interpretation guidelines (Richards et al. 2015 PMID: 25741868, with internal and published modifications).

Labcorp Genetics (formerly Invitae), Labcorp
Classification: Likely benign for Cognitive impairment - coarse facies - heart defects - obesity - pulmonary involvement - short stature - skeletal dysplasia syndrome. Last evaluated: 2024-07-31. Review status: criteria provided, single submitter. Criteria: Invitae Variant Classification Sherloc (09022015). Collection method: clinical testing. Allele origin: germline.